The following is an entry in ClinVar:

ClinVar aggregate classification (germline): Benign/Likely benign. Review status: criteria provided, multiple submitters, no conflicts (2 of 4 stars). 5 submissions from 5 submitters: Benign (1); Likely benign (4). Last evaluated 2026-01-28.

Conditions:
Early-infantile DEE. Also called: Early infantile epileptic encephalopathy; Ohtahara syndrome; Early infantile epileptic encephalopathy with suppression bursts. Identifiers: Orphanet 1934, MedGen C0393706, MONDO:0800491.
Inborn genetic diseases. Identifiers: MedGen C0950123, MeSH D030342.

Allele frequency attached by ClinVar (database versions not stated): ExAC 0.00002; gnomAD 0.00002; gnomAD exomes 0.00002 and 0.00003; TOPMed 0.00002; ESP Exome Variant Server 0.00008.
gnomAD v4.1: 42 of 1,614,000 alleles (0.0026%); highest among the groups gnomAD compares: Middle Eastern, 0.016%; no homozygotes.

Submissions (5):

Labcorp Genetics (formerly Invitae), Labcorp
Classification: Likely benign for Early-infantile DEE. Last evaluated: 2026-01-28. Review status: criteria provided, single submitter. Criteria: Invitae Variant Classification Sherloc (09022015). Collection method: clinical testing. Allele origin: germline.

Women's Health and Genetics/Laboratory Corporation of America, LabCorp
Classification: Likely benign. Last evaluated: 2025-02-25. Review status: criteria provided, single submitter. Criteria: LabCorp Variant Classification Summary - May 2015. Collection method: clinical testing. Allele origin: germline.

CeGaT Center for Human Genetics Tuebingen
Classification: Likely benign. Last evaluated: 2023-07-01. Review status: criteria provided, single submitter. Criteria: CeGaT Center For Human Genetics Tuebingen Variant Classification Criteria Version 2. Collection method: clinical testing. Allele origin: germline. Affected: yes. Observed: 1 variant allele.
Comment: SCN8A: BP4, BP7

Ambry Genetics
Classification: Likely benign for Inborn genetic diseases. Last evaluated: 2018-06-12. Review status: criteria provided, single submitter. Criteria: Ambry Variant Classification Scheme 2023. Collection method: clinical testing. Allele origin: germline.

GeneDx
Classification: Benign. Last evaluated: 2015-03-03. Review status: criteria provided, single submitter. Criteria: GeneDx Variant Classification Process June 2021. Collection method: clinical testing. Allele origin: germline. Affected: yes.

NM_001330260.2(SCN8A):c.810G>A (p.Leu270=)

Gene: SCN8A (sodium voltage-gated channel alpha subunit 8; plus strand). Cytogenetic location: 12q13.13.
Variant type: single nucleotide variant.
Coding change: c.810G>A on transcript NM_001330260.2 (MANE Select); coding-DNA position 810, G replaced by A.
Protein change: p.Leu270=; no amino-acid change (leucine 270 retained).
Molecular consequence: synonymous variant.
Genome position (GRCh38, 1-based): chr12:51,699,673, G>A. VCF-style: chr12-51699673-G-A. GRCh37 (hg19) VCF-style: chr12-52093457-G-A.
Other names: c.810G>A, p.Leu270= (NM_001177984.3, NM_001369788.1, NM_014191.4).
Identifiers: ClinVar variation 530546 (VCV000530546.40), dbSNP rs377606066, ClinGen allele CA6571155.
Genomic context (GRCh38, chr12:51,699,673, plus strand): 5'-ACTGTCAGATGTGATGATCCTGACAGTGTTCTGCCTGAGTGTTTTTGCCTTGATCGGACT[G>A]CAGCTGTTCATGGGGAACCTTCGAAACAAGTGTGTTGTGTGGCCCATAAACTTCAACGAG-3'
Protein context (NP_001317189.1, residues 260-280): FCLSVFALIG[Leu270=]QLFMGNLRNK